The following is an entry in ClinVar:

NM_018941.4(CLN8):c.18T>G (p.Asp6Glu)

Gene: CLN8 (CLN8 transmembrane ER and ERGIC protein; plus strand). Cytogenetic location: 8p23.3.
Variant type: single nucleotide variant.
Coding change: c.18T>G on transcript NM_018941.4 (MANE Select); coding-DNA position 18, T replaced by G.
Protein change: p.Asp6Glu; replaces aspartic acid 6 with glutamic acid.
Molecular consequence: missense variant.
Genome position (GRCh38, 1-based): chr8:1,771,072, T>G. VCF-style: chr8-1771072-T-G. GRCh37 (hg19) VCF-style: chr8-1719238-T-G.
Other names: short protein forms D6E.
Identifiers: ClinVar variation 2011509 (VCV002011509.4), dbSNP rs1464108080, ClinGen allele CA369952715.
Genomic context (GRCh38, chr8:1,771,072, plus strand): 5'-CCCGTGTTGGCCCCAGGACTCCTTTGGAATATAGCTGTGGACAATGAATCCTGCGAGCGA[T>G]GGGGGCACATCAGAGAGCATTTTTGACCTGGACTATGCATCCTGGGGGATCCGCTCCACG-3'
Protein context (NP_061764.2, residues 1-16): MNPAS[Asp6Glu]GGTSESIFDL

ClinVar aggregate classification (germline): Uncertain significance (1 of 4 stars; one submission).

Conditions:
Neuronal ceroid lipofuscinosis. Also called: Neuronal Ceroid Lipofuscinoses. Identifiers: Orphanet 216, Orphanet 79263, MedGen C0027877, MONDO:0016295. Disease mechanism: loss of function.

Submission:

Labcorp Genetics (formerly Invitae), Labcorp
Classification: Uncertain significance for Neuronal ceroid lipofuscinosis. Last evaluated: 2022-06-27. Review status: criteria provided, single submitter. Criteria: Invitae Variant Classification Sherloc (09022015). Collection method: clinical testing. Allele origin: germline.
Comment: In summary, the available evidence is currently insufficient to determine the role of this variant in disease. Therefore, it has been classified as a Variant of Uncertain Significance. Advanced modeling of protein sequence and biophysical properties (such as structural, functional, and spatial information, amino acid conservation, physicochemical variation, residue mobility, and thermodynamic stability) performed at Invitae indicates that this missense variant is not expected to disrupt CLN8 protein function. This variant has not been reported in the literature in individuals affected with CLN8-related conditions. This variant is not present in population databases (gnomAD no frequency). This sequence change replaces aspartic acid, which is acidic and polar, with glutamic acid, which is acidic and polar, at codon 6 of the CLN8 protein (p.Asp6Glu).